The following is an entry in ClinVar:

ClinVar aggregate classification (germline): Uncertain significance. Review status: criteria provided, multiple submitters, no conflicts (2 of 4 stars). 3 submissions from 3 submitters: Uncertain significance (3). Last evaluated 2024-03-06.

Conditions:
Arrhythmogenic right ventricular dysplasia 8 (ARVD8). Also called: ARRHYTHMOGENIC RIGHT VENTRICULAR DYSPLASIA, FAMILIAL, 8; ARRHYTHMOGENIC RIGHT VENTRICULAR CARDIOMYOPATHY 8; Arrhythmogenic Right Ventricular Dysplasia/Cardiomyopathy 8. Identifiers: MedGen C1843896, MONDO:0011831, OMIM 607450.
Arrhythmogenic cardiomyopathy with wooly hair and keratoderma. Also called: Dilated cardiomyopathy with woolly hair and keratoderma; Carvajal syndrome; Arrhythmogenic cardiomyopathy with woolly hair and keratoderma; PALMOPLANTAR KERATODERMA WITH LEFT VENTRICULAR CARDIOMYOPATHY AND WOOLLY HAIR. Identifiers: Orphanet 65282, MedGen C1854063, MONDO:0011581, OMIM 605676.
Cardiomyopathy (CMYO). Also called: Cardiomyopathies. Identifiers: Orphanet 167848, MedGen C0878544, MONDO:0004994, HP:0001638. Inheritance: Various modes of inheritance.

Allele frequency attached by ClinVar (database versions not stated): gnomAD 0.00001; gnomAD exomes below 0.00001; TOPMed below 0.00001.
gnomAD v4.1: 4 of 1,614,100 alleles (0.00025%); highest among the groups gnomAD compares: East Asian, 0.0022%; no homozygotes.

Submissions (3):

Color Diagnostics, LLC DBA Color Health
Classification: Uncertain significance for Cardiomyopathy. Last evaluated: 2024-03-06. Review status: criteria provided, single submitter. Criteria: ACMG Guidelines, 2015. Collection method: clinical testing. Allele origin: germline.
Comment: This missense variant replaces threonine with alanine at codon 61 of the DSP protein. Computational prediction suggests that this variant may not impact protein structure and function (internally defined REVEL score threshold <= 0.5, PMID: 27666373). To our knowledge, functional studies have not been reported for this variant. This variant has not been reported in individuals affected with cardiovascular disorders in the literature. This variant has been identified in 1/251374 chromosomes in the general population by the Genome Aggregation Database (gnomAD). The available evidence is insufficient to determine the role of this variant in disease conclusively. Therefore, this variant is classified as a Variant of Uncertain Significance.

CeGaT Center for Human Genetics Tuebingen
Classification: Uncertain significance. Last evaluated: 2023-07-01. Review status: criteria provided, single submitter. Criteria: CeGaT Center For Human Genetics Tuebingen Variant Classification Criteria Version 2. Collection method: clinical testing. Allele origin: germline. Affected: yes. Observed: 1 variant allele.
Comment: DSP: PM2, BP4

Labcorp Genetics (formerly Invitae), Labcorp
Classification: Uncertain significance for Arrhythmogenic cardiomyopathy with wooly hair and keratoderma; Arrhythmogenic right ventricular dysplasia 8. Last evaluated: 2021-08-18. Review status: criteria provided, single submitter. Criteria: Invitae Variant Classification Sherloc (09022015). Collection method: clinical testing. Allele origin: germline.
Comment: In summary, the available evidence is currently insufficient to determine the role of this variant in disease. Therefore, it has been classified as a Variant of Uncertain Significance. Algorithms developed to predict the effect of missense changes on protein structure and function are either unavailable or do not agree on the potential impact of this missense change (SIFT: "Deleterious"; PolyPhen-2: "Probably Damaging"; Align-GVGD: "Class C0"). This variant has not been reported in the literature in individuals affected with DSP-related conditions. This variant is not present in population databases (ExAC no frequency). This sequence change replaces threonine with alanine at codon 61 of the DSP protein (p.Thr61Ala). The threonine residue is moderately conserved and there is a small physicochemical difference between threonine and alanine.

NM_004415.4(DSP):c.181A>G (p.Thr61Ala)

Gene: DSP (desmoplakin; plus strand). Cytogenetic location: 6p24.3.
Variant type: single nucleotide variant.
Coding change: c.181A>G on transcript NM_004415.4 (MANE Select); coding-DNA position 181, A replaced by G.
Protein change: p.Thr61Ala; replaces threonine 61 with alanine.
Molecular consequence: missense variant.
Genome position (GRCh38, 1-based): chr6:7,555,728, A>G. VCF-style: chr6-7555728-A-G. GRCh37 (hg19) VCF-style: chr6-7555961-A-G.
Other names: c.181A>G, p.Thr61Ala (NM_001008844.3, NM_001319034.2); short protein forms T61A.
Identifiers: ClinVar variation 1436000 (VCV001436000.32), dbSNP rs1380249575, ClinGen allele CA362670604.